The following is an entry in ClinVar:

ClinVar aggregate classification (germline): Likely pathogenic. Review status: criteria provided, single submitter (1 of 4 stars). 2 submissions from 1 submitter: Likely pathogenic (1). 1 of the submissions does not count toward it. Last evaluated 2018-10-23.

Conditions:
Retinitis pigmentosa 3. Also called: CHOROIDORETINAL DEGENERATION WITH RETINAL REFLEX IN HETEROZYGOUS WOMEN. Identifiers: Orphanet 791, MedGen C1845667, MONDO:0010227, OMIM 300029.
Retinal dystrophy. Also called: Inherited retinal dystrophy. Identifiers: Orphanet 71862, MedGen C0854723, MeSH D058499, MONDO:0019118, HP:0000556.

Submissions (2):

Blueprint Genetics
Classification: Likely pathogenic for Retinal dystrophy. Last evaluated: 2018-10-23. Review status: criteria provided, single submitter. Criteria: Blueprint Genetics Variant Classification Scheme. Collection method: clinical testing. Allele origin: germline. Affected: yes.

Blueprint Genetics
Classification: Likely pathogenic for Retinitis pigmentosa 3. Review status: no assertion criteria provided. Collection method: clinical testing. Allele origin: germline. Affected: yes. Not counted in ClinVar's aggregate classification.

NM_001034853.2(RPGR):c.2839del (p.Glu947fs)

Gene: RPGR (retinitis pigmentosa GTPase regulator; minus strand). Cytogenetic location: Xp11.4.
Variant type: Deletion.
Coding change: c.2839del on transcript NM_001034853.2 (MANE Select); coding-DNA position 2839, one base deleted (G; older notation c.2839delG).
Protein change: p.Glu947fs; shifts the reading frame from glutamic acid 947.
Molecular consequence: frameshift variant. On other transcripts: intron variant (8).
Genome position (GRCh38, 1-based): chrX:38,286,160, C deleted on the plus strand (G on the coding strand, the reverse complement: RPGR is on the minus strand); the first of 4 consecutive C bases (chrX:38,286,160-38,286,163); deleting any one gives the same sequence. VCF-style (leftmost placement, unchanged base first): chrX-38286159-TC-T. GRCh37 (hg19) VCF-style: chrX-38145412-TC-T.
Other names: c.1569+4799del (NM_001367249.1, NM_001367250.1); c.1902+934del (NM_001367245.1); c.1386+4799del (NM_001367251.1); c.1719+934del (NM_001367246.1); c.1572+4799del (NM_001367247.1); c.1905+934del (NM_000328.3); c.1602+4799del (NM_001367248.1); short protein forms E947fs.
Identifiers: ClinVar variation 867018 (VCV000867018.2), dbSNP rs1555961509, ClinGen allele CA916083882.
Genomic context (GRCh38, chrX:38,286,159, plus strand): 5'-TCCCCCTCCCCTTCTCCTTCCTCCTCTTCCCCCTCCCATTCTCCTTCCTCCTCTTCCCCC[TC>T]CCCTTCTCCATCCTCCCCTTCCCCTTCTCCTTCCTCCTCTTCCCCCTCCCCTTCTCCTTC-3'